The following is an entry in ClinVar:

NM_013275.6(ANKRD11):c.1027G>A (p.Val343Ile)

Gene: ANKRD11 (ankyrin repeat domain 11; minus strand). Cytogenetic location: 16q24.3.
Variant type: single nucleotide variant.
Coding change: c.1027G>A on transcript NM_013275.6 (MANE Select); coding-DNA position 1027, G replaced by A.
Protein change: p.Val343Ile; replaces valine 343 with isoleucine.
Molecular consequence: missense variant.
Genome position (GRCh38, 1-based): chr16:89,285,515, C>T on the plus strand (G>A on the coding strand, the complement: ANKRD11 is on the minus strand). VCF-style: chr16-89285515-C-T. GRCh37 (hg19) VCF-style: chr16-89351923-C-T.
Other names: c.1027G>A, p.Val343Ile (NM_001256182.2, NM_001256183.2); short protein forms V343I.
Identifiers: ClinVar variation 589606 (VCV000589606.42), dbSNP rs147744268, ClinGen allele CA8242869.

ClinVar aggregate classification (germline): Benign/Likely benign. Review status: criteria provided, multiple submitters, no conflicts (2 of 4 stars). 7 submissions from 7 submitters: Benign (3); Likely benign (3). 1 of the submissions does not count toward it. Last evaluated 2025-09-24.

Conditions:
KBG syndrome (KBGS). Also called: ANKRD11-Related KBG Syndrome. Identifiers: Orphanet 2332, MedGen C0220687, MONDO:0007846, OMIM 148050.
ANKRD11-related disorder. Also called: ANKRD11-related condition.
Inborn genetic diseases. Identifiers: MedGen C0950123, MeSH D030342.

Allele frequency attached by ClinVar (database versions not stated): gnomAD exomes 0.00015; ExAC 0.00023; 1000 Genomes Project 30x 0.00047; 1000 Genomes Project 0.00060; gnomAD 0.00065 and 0.00071; TOPMed 0.00100; ESP Exome Variant Server 0.00108.
gnomAD v4.1: 206 of 1,614,062 alleles (0.013%); highest among the groups gnomAD compares: African/African-American, 0.21%; no homozygotes.

Submissions (7):

Labcorp Genetics (formerly Invitae), Labcorp
Classification: Benign for KBG syndrome. Last evaluated: 2025-09-24. Review status: criteria provided, single submitter. Criteria: Invitae Variant Classification Sherloc (09022015). Collection method: clinical testing. Allele origin: germline.

Blueprint Genetics
Classification: Likely benign. Last evaluated: 2024-11-13. Review status: criteria provided, single submitter. Criteria: ACMG Guidelines, 2015. Collection method: clinical testing. Allele origin: germline.

CeGaT Center for Human Genetics Tuebingen
Classification: Likely benign. Last evaluated: 2023-12-01. Review status: criteria provided, single submitter. Criteria: CeGaT Center For Human Genetics Tuebingen Variant Classification Criteria Version 2. Collection method: clinical testing. Allele origin: germline. Affected: yes. Observed: 2 variant alleles.
Comment: ANKRD11: BS1

Genome-Nilou Lab
Classification: Benign for KBG syndrome. Last evaluated: 2021-12-05. Review status: criteria provided, single submitter. Criteria: ACMG Guidelines, 2015. Collection method: clinical testing. Allele origin: germline. Affected: no.

GeneDx
Classification: Benign. Last evaluated: 2020-06-25. Review status: criteria provided, single submitter. Criteria: GeneDx Variant Classification Process June 2021. Collection method: clinical testing. Allele origin: germline. Affected: yes.

Ambry Genetics
Classification: Likely benign for Inborn genetic diseases. Last evaluated: 2017-12-01. Review status: criteria provided, single submitter. Criteria: Ambry Variant Classification Scheme 2023. Collection method: clinical testing. Allele origin: germline.

PreventionGenetics, part of Exact Sciences
Classification: Likely benign for ANKRD11-related condition. Last evaluated: 2021-09-08. Review status: no assertion criteria provided. Collection method: clinical testing. Allele origin: germline. Not counted in ClinVar's aggregate classification.
Comment: This variant is classified as likely benign based on ACMG/AMP sequence variant interpretation guidelines (Richards et al. 2015 PMID: 25741868, with internal and published modifications).